The following is an entry in ClinVar:

ClinVar aggregate classification (germline): Likely benign (0 of 4 stars; one submission).

Conditions:
IRX5-related disorder. Also called: IRX5-related condition.

Allele frequency attached by ClinVar (database versions not stated): TOPMed 0.00002; gnomAD 0.00003; ExAC 0.00004.
gnomAD v4.1: 59 of 1,610,218 alleles (0.0037%); highest among the groups gnomAD compares: Middle Eastern, 0.016%; no homozygotes.

Submission:

PreventionGenetics, part of Exact Sciences
Classification: Likely benign for IRX5-related condition. Last evaluated: 2019-09-23. Review status: no assertion criteria provided. Collection method: clinical testing. Allele origin: germline.
Comment: This variant is classified as likely benign based on ACMG/AMP sequence variant interpretation guidelines (Richards et al. 2015 PMID: 25741868, with internal and published modifications).

NM_005853.6(IRX5):c.1188G>A (p.Thr396=)

Gene: IRX5 (iroquois homeobox 5; plus strand). Cytogenetic location: 16q12.2.
Variant type: single nucleotide variant.
Coding change: c.1188G>A on transcript NM_005853.6 (MANE Select); coding-DNA position 1188, G replaced by A.
Protein change: p.Thr396=; no amino-acid change (threonine 396 retained).
Molecular consequence: synonymous variant.
Genome position (GRCh38, 1-based): chr16:54,933,609, G>A. VCF-style: chr16-54933609-G-A. GRCh37 (hg19) VCF-style: chr16-54967521-G-A.
Other names: c.1185G>A, p.Thr395= (NM_001252197.1).
Identifiers: ClinVar variation 3041112 (VCV003041112.2), dbSNP rs767854433, ClinGen allele CA8059348.
Genomic context (GRCh38, chr16:54,933,609, plus strand): 5'-GTCGCCGGCCCCGGCGCCGTCACGCTCGCCCTCGGCGCAGTGTCCTTTTCCAGGCGGGAC[G>A]GTGCTGTCCCGGCCTCTCTACTACACCGCGCCCTTCTATCCCGGCTACACGAACTATGGC-3'
Protein context (NP_005844.4, residues 386-406): PSAQCPFPGG[Thr396=]VLSRPLYYTA